The following is an entry in ClinVar:

ClinVar aggregate classification (germline): Uncertain significance (1 of 4 stars; one submission).

Conditions:
STX1A-associated neurodevelopmental disorder.

Submission:

Institute of Human Genetics, University of Leipzig Medical Center
Classification: Uncertain significance for STX1A-associated neurodevelopmental disorder. Last evaluated: 2026-01-28. Review status: criteria provided, single submitter. Criteria: ACMG Guidelines, 2015. Collection method: clinical testing. Allele origin: unknown. Inheritance: Autosomal dominant inheritance. Affected: yes.
Comment: Criteria applied: PM2,PP3

Literature cited by the submitters: PubMed 36564538.

NM_004603.4(STX1A):c.593G>C (p.Arg198Pro)

Gene: STX1A (syntaxin 1A; minus strand). Cytogenetic location: 7q11.23.
Variant type: single nucleotide variant.
Coding change: c.593G>C on transcript NM_004603.4 (MANE Select); coding-DNA position 593, G replaced by C.
Protein change: p.Arg198Pro; replaces arginine 198 with proline.
Molecular consequence: missense variant.
Genome position (GRCh38, 1-based): chr7:73,702,930, C>G on the plus strand (G>C on the coding strand, the complement: STX1A is on the minus strand). VCF-style: chr7-73702930-C-G. GRCh37 (hg19) VCF-style: chr7-73117260-C-G.
Other names: c.593G>C, p.Arg198Pro (NM_001165903.2); short protein forms R198P.
Identifiers: ClinVar variation 4819189 (VCV004819189.1).